The following is an entry in ClinVar:

ClinVar aggregate classification (germline): Uncertain significance. Review status: criteria provided, multiple submitters, no conflicts (2 of 4 stars). 4 submissions from 3 submitters: Uncertain significance (4). Last evaluated 2025-08-13.

Conditions:
Hereditary cancer-predisposing syndrome. Also called: Hereditary Cancer Syndrome; Neoplastic Syndromes, Hereditary; Tumor predisposition; Hereditary neoplastic syndrome. Identifiers: Orphanet 140162, MedGen C0027672, MeSH D009386, MONDO:0015356.
Cardiovascular phenotype. Identifiers: MedGen CN230736.
Neurofibromatosis, type 1 (NF1). Also called: NEUROFIBROMATOSIS, TYPE I, SOMATIC; VON RECKLINGHAUSEN DISEASE; Peripheral type neurofibromatosis; Neurofibromatosis, type I. Identifiers: Orphanet 636, MedGen C0027831, MONDO:0018975, OMIM 162200. Disease mechanism: loss of function.

Allele frequency attached by ClinVar (database versions not stated): gnomAD exomes below 0.00001.
gnomAD v4.1: 1 of 1,613,802 alleles (0.000062%); highest among the groups gnomAD compares: Non-Finnish European, 0.000085%; no homozygotes.

Submissions (4):

Labcorp Genetics (formerly Invitae), Labcorp
Classification: Uncertain significance for Neurofibromatosis, type 1. Last evaluated: 2025-08-13. Review status: criteria provided, single submitter. Criteria: Invitae Variant Classification Sherloc (09022015). Collection method: clinical testing. Allele origin: germline.
Comment: This sequence change replaces histidine, which is basic and polar, with tyrosine, which is neutral and polar, at codon 537 of the NF1 protein (p.His537Tyr). This variant is not present in population databases (gnomAD no frequency). This variant has not been reported in the literature in individuals affected with NF1-related conditions. ClinVar contains an entry for this variant (Variation ID: 187609). Invitae Evidence Modeling of protein sequence and biophysical properties (such as structural, functional, and spatial information, amino acid conservation, physicochemical variation, residue mobility, and thermodynamic stability) indicates that this missense variant is not expected to disrupt NF1 protein function with a negative predictive value of 95%. In summary, the available evidence is currently insufficient to determine the role of this variant in disease. Therefore, it has been classified as a Variant of Uncertain Significance.

Ambry Genetics
Classification: Uncertain significance for Cardiovascular phenotype; Hereditary cancer-predisposing syndrome. Last evaluated: 2022-05-26. Review status: criteria provided, single submitter. Criteria: Ambry Variant Classification Scheme 2023. Collection method: clinical testing. Allele origin: germline.

Genome-Nilou Lab
Classification: Uncertain significance for Neurofibromatosis, type 1. Last evaluated: 2022-03-15. Review status: criteria provided, single submitter. Criteria: ACMG Guidelines, 2015. Collection method: clinical testing. Allele origin: germline. Affected: no.

Ambry Genetics
Classification: Uncertain significance for Hereditary cancer-predisposing syndrome. Last evaluated: 2014-12-22. Review status: criteria provided, single submitter. Criteria: Ambry Autosomal Dominant and X-Linked criteria (10/2015). Collection method: clinical testing. Allele origin: germline. Observed: 1 variant allele.
Comment: The p.H537Y variant (also known as c.1609C>T), located in coding exon 14 of the NF1 gene, results from a C to T substitution at nucleotide position 1609. The histidine at codon 537 is replaced by tyrosine, an amino acid with similar properties. This variant was not reported in population based cohorts in the following databases: Database of Single Nucleotide Polymorphisms (dbSNP), NHLBI Exome Sequencing Project (ESP), and 1000 Genomes Project. In the ESP, this variant was not observed in 6503 samples (13006 alleles) with coverage at this position. To date, this alteration has been detected with an allele frequency of approximately 0.004% (greater than 55000alleles tested) in our clinical cohort.This amino acid position is not well conserved in available vertebrate species. In addition, this alteration is predicted to be tolerated by in silico analysis.Since supporting evidence is limited at this time, the clinical significance of p.H537Yremains unclear.

NM_001042492.3(NF1):c.1609C>T (p.His537Tyr)

Gene: NF1 (neurofibromin 1; plus strand). Cytogenetic location: 17q11.2.
Variant type: single nucleotide variant.
Coding change: c.1609C>T on transcript NM_001042492.3 (MANE Select); coding-DNA position 1609, C replaced by T.
Protein change: p.His537Tyr; replaces histidine 537 with tyrosine.
Molecular consequence: missense variant.
Genome position (GRCh38, 1-based): chr17:31,219,086, C>T. VCF-style: chr17-31219086-C-T. GRCh37 (hg19) VCF-style: chr17-29546104-C-T.
Other names: c.1609C>T, p.His537Tyr (NM_001128147.3, NM_000267.4); short protein forms H537Y.
Identifiers: ClinVar variation 187609 (VCV000187609.12), dbSNP rs786203860, ClinGen allele CA198074.